The following is an entry in ClinVar:

ClinVar aggregate classification (germline): Benign/Likely benign. Review status: criteria provided, multiple submitters, no conflicts (2 of 4 stars). 4 submissions from 4 submitters: Benign (1); Likely benign (3). Last evaluated 2026-05-20.

Conditions:
Cardiovascular phenotype. Identifiers: MedGen CN230736.
Hereditary cancer-predisposing syndrome. Also called: Tumor predisposition; Hereditary Cancer Syndrome; Hereditary neoplastic syndrome; Neoplastic Syndromes, Hereditary. Identifiers: Orphanet 140162, MedGen C0027672, MeSH D009386, MONDO:0015356.
Neurofibromatosis, type 1 (NF1). Also called: NEUROFIBROMATOSIS, TYPE I, SOMATIC; Peripheral type neurofibromatosis; VON RECKLINGHAUSEN DISEASE; Neurofibromatosis, type I. Identifiers: Orphanet 636, MedGen C0027831, MONDO:0018975, OMIM 162200. Disease mechanism: loss of function.

gnomAD v4.1: 1 of 1,614,084 alleles (0.000062%); highest among the groups gnomAD compares: Admixed American, 0.0017%; no homozygotes.

Submissions (4):

Myriad Genetics, Inc.
Classification: Benign for Neurofibromatosis, type 1. Last evaluated: 2026-05-20. Review status: criteria provided, single submitter. Criteria: Myriad Autosomal Dominant, Autosomal Recessive and X-Linked Classification Criteria (2023). Collection method: clinical testing. Allele origin: unknown.
Comment: This variant is considered benign. This variant is a silent/synonymous amino acid change and it is not expected to impact splicing.

Labcorp Genetics (formerly Invitae), Labcorp
Classification: Likely benign for Neurofibromatosis, type 1. Last evaluated: 2024-11-18. Review status: criteria provided, single submitter. Criteria: Invitae Variant Classification Sherloc (09022015). Collection method: clinical testing. Allele origin: germline.

Genome-Nilou Lab
Classification: Likely benign for Neurofibromatosis, type 1. Last evaluated: 2022-03-15. Review status: criteria provided, single submitter. Criteria: ACMG Guidelines, 2015. Collection method: clinical testing. Allele origin: germline. Affected: no.

Ambry Genetics
Classification: Likely benign for Cardiovascular phenotype; Hereditary cancer-predisposing syndrome. Last evaluated: 2019-03-14. Review status: criteria provided, single submitter. Criteria: Ambry Variant Classification Scheme 2023. Collection method: clinical testing. Allele origin: germline.

NM_001042492.3(NF1):c.4854C>T (p.Ile1618=)

Gene: NF1 (neurofibromin 1; plus strand). Cytogenetic location: 17q11.2.
Variant type: single nucleotide variant.
Coding change: c.4854C>T on transcript NM_001042492.3 (MANE Select); coding-DNA position 4854, C replaced by T.
Protein change: p.Ile1618=; no amino-acid change (isoleucine 1618 retained).
Molecular consequence: synonymous variant.
Genome position (GRCh38, 1-based): chr17:31,325,838, C>T. VCF-style: chr17-31325838-C-T. GRCh37 (hg19) VCF-style: chr17-29652856-C-T.
Other names: c.4791C>T, p.Ile1597= (NM_000267.4).
Identifiers: ClinVar variation 825173 (VCV000825173.12), dbSNP rs1268872486, ClinGen allele CA499232922.